The following is an entry in ClinVar:

NM_001099274.3(TINF2):c.95C>T (p.Pro32Leu)

Genes: TINF2 (TERF1 interacting nuclear factor 2; minus strand), LOC130055403 (ATAC-STARR-seq lymphoblastoid active region 8199; plus strand). Cytogenetic location: 14q12.
Variant type: single nucleotide variant.
Coding change: c.95C>T on transcript NM_001099274.3 (MANE Select); coding-DNA position 95, C replaced by T.
Protein change: p.Pro32Leu; replaces proline 32 with leucine.
Molecular consequence: missense variant.
Genome position (GRCh38, 1-based): chr14:24,242,238, G>A on the plus strand (C>T on the coding strand, the complement: TINF2 is on the minus strand). VCF-style: chr14-24242238-G-A. GRCh37 (hg19) VCF-style: chr14-24711444-G-A.
Other names: c.95C>T, p.Pro32Leu (NM_001363668.2, NM_012461.3); short protein forms P32L.
Identifiers: ClinVar variation 2709565 (VCV002709565.3), dbSNP rs773584916, ClinGen allele CA7130759.
Genomic context (GRCh38, chr14:24,242,238, plus strand): 5'-CGGTAGCGAACCAAGCCAGGGGCAACAGCGCGCAGAGATCGCAGAAACTCCAGTACTCGC[G>A]GAAAATGTTCCACGCAGCGTCCGCGCACAACCTGCCAGCTAGCCGCGGCGGCGAAGCGTA-3'
Protein context (NP_001092744.1, residues 22-42): VVRGRCVEHF[Pro32Leu]RVLEFLRSLR

ClinVar aggregate classification (germline): Uncertain significance (1 of 4 stars; one submission).

Conditions:
Dyskeratosis congenita. Identifiers: Orphanet 1775, MedGen C0265965, MONDO:0015780.

Allele frequency attached by ClinVar (database versions not stated): gnomAD exomes below 0.00001; ExAC 0.00001; gnomAD 0.00001.
gnomAD v4.1: 3 of 1,614,122 alleles (0.00019%); highest among the groups gnomAD compares: East Asian, 0.0022%; no homozygotes.

Submission:

Labcorp Genetics (formerly Invitae), Labcorp
Classification: Uncertain significance for Dyskeratosis congenita. Last evaluated: 2024-07-15. Review status: criteria provided, single submitter. Criteria: Invitae Variant Classification Sherloc (09022015). Collection method: clinical testing. Allele origin: germline.
Comment: This sequence change replaces proline, which is neutral and non-polar, with leucine, which is neutral and non-polar, at codon 32 of the TINF2 protein (p.Pro32Leu). This variant is present in population databases (rs773584916, gnomAD 0.006%). This variant has not been reported in the literature in individuals affected with TINF2-related conditions. An algorithm developed to predict the effect of missense changes on protein structure and function (PolyPhen-2) suggests that this variant is likely to be disruptive. In summary, the available evidence is currently insufficient to determine the role of this variant in disease. Therefore, it has been classified as a Variant of Uncertain Significance.